The following is an entry in ClinVar:

ClinVar aggregate classification (germline): Uncertain significance. Review status: criteria provided, multiple submitters, no conflicts (2 of 4 stars). 2 submissions from 2 submitters: Uncertain significance (2). Last evaluated 2023-07-21.

gnomAD v4.1: 2 of 1,613,768 alleles (0.00012%); highest among the groups gnomAD compares: South Asian, 0.0011%; no homozygotes.

Submissions (2):

Labcorp Genetics (formerly Invitae), Labcorp
Classification: Uncertain significance. Last evaluated: 2023-07-21. Review status: criteria provided, single submitter. Criteria: Invitae Variant Classification Sherloc (09022015). Collection method: clinical testing. Allele origin: germline.
Comment: In summary, the available evidence is currently insufficient to determine the role of this variant in disease. Therefore, it has been classified as a Variant of Uncertain Significance. Advanced modeling of protein sequence and biophysical properties (such as structural, functional, and spatial information, amino acid conservation, physicochemical variation, residue mobility, and thermodynamic stability) performed at Invitae indicates that this missense variant is not expected to disrupt MTOR protein function. ClinVar contains an entry for this variant (Variation ID: 444154). This variant has not been reported in the literature in individuals affected with MTOR-related conditions. This variant is present in population databases (no rsID available, gnomAD 0.003%). This sequence change replaces arginine, which is basic and polar, with leucine, which is neutral and non-polar, at codon 2152 of the MTOR protein (p.Arg2152Leu).

CeGaT Center for Human Genetics Tuebingen
Classification: Uncertain significance. Last evaluated: 2017-04-01. Review status: criteria provided, single submitter. Criteria: CeGaT Center For Human Genetics Tuebingen Variant Classification Criteria Version 2. Collection method: clinical testing. Allele origin: germline. Affected: yes. Observed: 1 variant allele.

NM_004958.4(MTOR):c.6455G>T (p.Arg2152Leu)

Gene: MTOR (mechanistic target of rapamycin kinase; minus strand). Cytogenetic location: 1p36.22.
Variant type: single nucleotide variant.
Coding change: c.6455G>T on transcript NM_004958.4 (MANE Select); coding-DNA position 6455, G replaced by T.
Protein change: p.Arg2152Leu; replaces arginine 2152 with leucine.
Molecular consequence: missense variant.
Genome position (GRCh38, 1-based): chr1:11,126,693, C>A on the plus strand (G>T on the coding strand, the complement: MTOR is on the minus strand). VCF-style: chr1-11126693-C-A. GRCh37 (hg19) VCF-style: chr1-11186750-C-A.
Other names: short protein forms R2152L.
Identifiers: ClinVar variation 444154 (VCV000444154.47), dbSNP rs764978010, ClinGen allele CA338389676.